The following is an entry in ClinVar:

NM_001367943.1(TCF7L2):c.1592C>A (p.Thr531Asn)

Gene: TCF7L2 (transcription factor 7 like 2; plus strand). Cytogenetic location: 10q25.3.
Variant type: single nucleotide variant.
Coding change: c.1592C>A on transcript NM_001367943.1 (MANE Select); coding-DNA position 1592, C replaced by A.
Protein change: p.Thr531Asn; replaces threonine 531 with asparagine.
Molecular consequence: missense variant. On other transcripts: 3 prime UTR variant (12).
Genome position (GRCh38, 1-based): chr10:113,165,704, C>A. VCF-style: chr10-113165704-C-A. GRCh37 (hg19) VCF-style: chr10-114925463-C-A.
Other names: c.1541C>A, p.Thr514Asn (NM_001146274.2); c.*70C>A (NM_001146283.2, NM_001146284.2, NM_001146286.2 and 4 more transcripts); c.1472C>A, p.Thr491Asn (NM_001146285.2, NM_001198526.2); c.*180C>A (NM_001198525.2); c.*168C>A (NM_001198527.2, NM_001198528.2, NM_001349870.2 and 1 more transcripts); c.1523C>A, p.Thr508Asn (NM_030756.5); short protein forms T491N, T508N, T514N, T531N.
Identifiers: ClinVar variation 2505229 (VCV002505229.2), dbSNP rs781575767, ClinGen allele CA5693298.

ClinVar aggregate classification (germline): Uncertain significance. Review status: criteria provided, multiple submitters, no conflicts (2 of 4 stars). 2 submissions from 2 submitters: Uncertain significance (2). Last evaluated 2025-10-01.

Allele frequency attached by ClinVar (database versions not stated): gnomAD exomes below 0.00001; ExAC 0.00001.
gnomAD v4.1: 2 of 1,612,594 alleles (0.00012%); highest among the groups gnomAD compares: African/African-American, 0.0013%; no homozygotes.

Submissions (2):

Labcorp Genetics (formerly Invitae), Labcorp
Classification: Uncertain significance. Last evaluated: 2025-10-01. Review status: criteria provided, single submitter. Criteria: Invitae Variant Classification Sherloc (09022015). Collection method: clinical testing. Allele origin: germline.
Comment: This sequence change replaces threonine, which is neutral and polar, with asparagine, which is neutral and polar, at codon 508 of the TCF7L2 protein (p.Thr508Asn). This variant is not present in population databases (gnomAD no frequency). This variant has not been reported in the literature in individuals affected with TCF7L2-related conditions. ClinVar contains an entry for this variant (Variation ID: 2505229). Invitae Evidence Modeling of protein sequence and biophysical properties (such as structural, functional, and spatial information, amino acid conservation, physicochemical variation, residue mobility, and thermodynamic stability) indicates that this missense variant is not expected to disrupt TCF7L2 protein function with a negative predictive value of 80%. In summary, the available evidence is currently insufficient to determine the role of this variant in disease. Therefore, it has been classified as a Variant of Uncertain Significance.

Greenwood Genetic Center Diagnostic Laboratories, Greenwood Genetic Center
Classification: Uncertain significance. Last evaluated: 2023-01-19. Review status: criteria provided, single submitter. Criteria: ACMG Guidelines, 2015. Collection method: clinical testing. Allele origin: germline. Affected: yes.
Comment: PM2